The following is an entry in ClinVar:

ClinVar aggregate classification (germline): Likely benign. Review status: criteria provided, multiple submitters, no conflicts (2 of 4 stars). 2 submissions from 2 submitters: Likely benign (2). Last evaluated 2025-12-06.

Conditions:
Epilepsy, childhood absence, susceptibility to, 1. Also called: Epilepsy, childhood absence 1. Identifiers: Orphanet 64280, MedGen C1838604, MONDO:0020759, OMIM 600131.
Epilepsy, childhood absence, susceptibility to, 5. Identifiers: Orphanet 64280, MedGen C2677087, MONDO:0012843, OMIM 612269.

Allele frequency attached by ClinVar (database versions not stated): gnomAD exomes 0.00001; TOPMed 0.00007.
gnomAD v4.1: 15 of 1,610,562 alleles (0.00093%); highest among the groups gnomAD compares: Admixed American, 0.0033%; no homozygotes.

Submissions (2):

Labcorp Genetics (formerly Invitae), Labcorp
Classification: Likely benign for Epilepsy, childhood absence, susceptibility to, 5; Epilepsy, childhood absence, susceptibility to, 1. Last evaluated: 2025-12-06. Review status: criteria provided, single submitter. Criteria: Invitae Variant Classification Sherloc (09022015). Collection method: clinical testing. Allele origin: germline.

GeneDx
Classification: Likely benign. Last evaluated: 2017-02-16. Review status: criteria provided, single submitter. Criteria: GeneDx Variant Classification (06012015). Collection method: clinical testing. Allele origin: germline. Affected: yes.
Comment: This variant is considered likely benign or benign based on one or more of the following criteria: it is a conservative change, it occurs at a poorly conserved position in the protein, it is predicted to be benign by multiple in silico algorithms, and/or has population frequency not consistent with disease.

NM_000814.6(GABRB3):c.183C>G (p.Val61=)

Gene: GABRB3 (gamma-aminobutyric acid type A receptor subunit beta3; minus strand). Cytogenetic location: 15q12.
Variant type: single nucleotide variant.
Coding change: c.183C>G on transcript NM_000814.6 (MANE Select); coding-DNA position 183, C replaced by G.
Protein change: p.Val61=; no amino-acid change (valine 61 retained).
Molecular consequence: synonymous variant. On other transcripts: 5 prime UTR variant (1).
Genome position (GRCh38, 1-based): chr15:26,772,459, G>C on the plus strand (C>G on the coding strand, the complement: GABRB3 is on the minus strand). VCF-style: chr15-26772459-G-C. GRCh37 (hg19) VCF-style: chr15-27017606-G-C.
Other names: c.-169C>G (NM_001278631.2); c.183C>G, p.Val61= (NM_021912.5).
Identifiers: ClinVar variation 386998 (VCV000386998.10), dbSNP rs778097525, ClinGen allele CA16606906.